The following is an entry in ClinVar:

ClinVar aggregate classification (germline): Uncertain significance (1 of 4 stars; one submission).

Allele frequency attached by ClinVar (database versions not stated): gnomAD exomes 0.00001.
gnomAD v4.1: 8 of 1,613,634 alleles (0.0005%); highest among the groups gnomAD compares: Non-Finnish European, 0.00068%; no homozygotes.

Submission:

Women's Health and Genetics/Laboratory Corporation of America, LabCorp
Classification: Uncertain significance. Last evaluated: 2023-10-31. Review status: criteria provided, single submitter. Criteria: LabCorp Variant Classification Summary - May 2015. Collection method: clinical testing. Allele origin: germline.
Comment: Variant summary: WDR11 c.2144G>C (p.Cys715Ser) results in a non-conservative amino acid change located in a WD40 repeat (IPR001680) of the encoded protein sequence. Three of five in-silico tools predict a benign effect of the variant on protein function. The variant was absent in 251464 control chromosomes (gnomAD). The available data on variant occurrences in the general population are insufficient to allow any conclusion about variant significance. To our knowledge, no occurrence of c.2144G>C in individuals affected with WDR11-Related Disorders and no experimental evidence demonstrating its impact on protein function have been reported. No submitters have reported clinical-significance assessments for this variant to ClinVar after 2014. Based on the evidence outlined above, the variant was classified as uncertain significance.

NM_018117.12(WDR11):c.2144G>C (p.Cys715Ser)

Gene: WDR11 (WD repeat domain 11; plus strand). Cytogenetic location: 10q26.12.
Variant type: single nucleotide variant.
Coding change: c.2144G>C on transcript NM_018117.12 (MANE Select); coding-DNA position 2144, G replaced by C.
Protein change: p.Cys715Ser; replaces cysteine 715 with serine.
Molecular consequence: missense variant.
Genome position (GRCh38, 1-based): chr10:120,889,100, G>C. VCF-style: chr10-120889100-G-C. GRCh37 (hg19) VCF-style: chr10-122648612-G-C.
Other names: short protein forms C715S.
Identifiers: ClinVar variation 2637588 (VCV002637588.1), dbSNP rs1847327018, ClinGen allele CA378329181.